The following is an entry in ClinVar:

ClinVar aggregate classification (germline): Uncertain significance (1 of 4 stars; one submission).

Submission:

Women's Health and Genetics/Laboratory Corporation of America, LabCorp
Classification: Uncertain significance. Last evaluated: 2022-03-24. Review status: criteria provided, single submitter. Criteria: LabCorp Variant Classification Summary - May 2015. Collection method: clinical testing. Allele origin: germline.
Comment: Variant summary: FLNA c.1117T>A (p.Tyr373Asn) results in a non-conservative amino acid change located in the Filamin/ABP280 repeat (IPR001298) of the encoded protein sequence. Three of five in-silico tools predict a benign effect of the variant on protein function. The variant was absent in 181309 control chromosomes (gnomAD). The available data on variant occurrences in the general population are insufficient to allow any conclusion about variant significance. To our knowledge, no occurrence of c.1117T>A in individuals affected with Periventricular Nodular Heterotopia 1 and no experimental evidence demonstrating its impact on protein function have been reported. No clinical diagnostic laboratories have submitted clinical-significance assessments for this variant to ClinVar after 2014. Based on the evidence outlined above, the variant was classified as uncertain significance.

NM_001110556.2(FLNA):c.1117T>A (p.Tyr373Asn)

Gene: FLNA (filamin A; minus strand). Cytogenetic location: Xq28.
Variant type: single nucleotide variant.
Coding change: c.1117T>A on transcript NM_001110556.2 (MANE Select); coding-DNA position 1117, T replaced by A.
Protein change: p.Tyr373Asn; replaces tyrosine 373 with asparagine.
Molecular consequence: missense variant.
Genome position (GRCh38, 1-based): chrX:154,366,419, A>T on the plus strand (T>A on the coding strand, the complement: FLNA is on the minus strand). VCF-style: chrX-154366419-A-T. GRCh37 (hg19) VCF-style: chrX-153594787-A-T.
Other names: c.1117T>A, p.Tyr373Asn (NM_001456.4); short protein forms Y373N.
Identifiers: ClinVar variation 1677185 (VCV001677185.1), dbSNP rs2148118056, ClinGen allele CA415246593.